The following is an entry in ClinVar:

ClinVar aggregate classification (germline): Benign (0 of 4 stars; one submission).

Conditions:
BMS1-related disorder. Also called: BMS1-related condition.

Allele frequency attached by ClinVar (database versions not stated): ExAC 0.00053; gnomAD 0.00160; 1000 Genomes Project 30x 0.00187; TOPMed 0.00198; 1000 Genomes Project 0.00200; ESP Exome Variant Server 0.00215.
gnomAD v4.1: 447 of 1,613,014 alleles (0.028%); highest among the groups gnomAD compares: African/African-American, 0.53%; 1 homozygote.

Submission:

PreventionGenetics, part of Exact Sciences
Classification: Benign for BMS1-related condition. Last evaluated: 2019-05-03. Review status: no assertion criteria provided. Collection method: clinical testing. Allele origin: germline.
Comment: This variant is classified as benign based on ACMG/AMP sequence variant interpretation guidelines (Richards et al. 2015 PMID: 25741868, with internal and published modifications).

NM_014753.4(BMS1):c.1255C>G (p.Gln419Glu)

Gene: BMS1 (BMS1 ribosome biogenesis factor; plus strand). Cytogenetic location: 10q11.21.
Variant type: single nucleotide variant.
Coding change: c.1255C>G on transcript NM_014753.4 (MANE Select); coding-DNA position 1255, C replaced by G.
Protein change: p.Gln419Glu; replaces glutamine 419 with glutamic acid.
Molecular consequence: missense variant.
Genome position (GRCh38, 1-based): chr10:42,796,499, C>G. VCF-style: chr10-42796499-C-G. GRCh37 (hg19) VCF-style: chr10-43291947-C-G.
Other names: short protein forms Q419E.
Identifiers: ClinVar variation 3037541 (VCV003037541.2), dbSNP rs61736597, ClinGen allele CA5475713.
Genomic context (GRCh38, chr10:42,796,499, plus strand): 5'-AAATTGAATTATTTTGTATTTCCTTGGTAATACAGGCTAATGATGCCAAAGGAGGAAAAA[C>G]AAATGGACTTGAACACTGGTCGAATGCGTCGGAAAGCCATTTTCGGAGATGAAGATGAAT-3'
Protein context (NP_055568.3, residues 409-429): QGLMMPKEEK[Gln419Glu]MDLNTGRMRR